The following is an entry in ClinVar:

ClinVar aggregate classification (germline): Uncertain significance (1 of 4 stars; one submission).

gnomAD v4.1: 72 of 1,612,056 alleles (0.0045%); highest among the groups gnomAD compares: Non-Finnish European, 0.0057%; no homozygotes.

Submission:

Labcorp Genetics (formerly Invitae), Labcorp
Classification: Uncertain significance. Last evaluated: 2026-01-26. Review status: criteria provided, single submitter. Criteria: Invitae Variant Classification Sherloc (09022015). Collection method: clinical testing. Allele origin: germline.
Comment: This sequence change replaces methionine, which is neutral and non-polar, with valine, which is neutral and non-polar, at codon 241 of the KRT17 protein (p.Met241Val). This variant is present in population databases (rs749514229, gnomAD 0.004%). This variant has not been reported in the literature in individuals affected with KRT17-related conditions. Invitae Evidence Modeling of protein sequence and biophysical properties (such as structural, functional, and spatial information, amino acid conservation, physicochemical variation, residue mobility, and thermodynamic stability) indicates that this missense variant is not expected to disrupt KRT17 protein function with a negative predictive value of 95%. In summary, the available evidence is currently insufficient to determine the role of this variant in disease. Therefore, it has been classified as a Variant of Uncertain Significance.

NM_000422.3(KRT17):c.721A>G (p.Met241Val)

Gene: KRT17 (keratin 17; minus strand). Cytogenetic location: 17q21.2.
Variant type: single nucleotide variant.
Coding change: c.721A>G on transcript NM_000422.3 (MANE Select); coding-DNA position 721, A replaced by G.
Protein change: p.Met241Val; replaces methionine 241 with valine.
Molecular consequence: missense variant.
Genome position (GRCh38, 1-based): chr17:41,621,706, T>C on the plus strand (A>G on the coding strand, the complement: KRT17 is on the minus strand). VCF-style: chr17-41621706-T-C. GRCh37 (hg19) VCF-style: chr17-39777958-T-C.
Other names: short protein forms M241V.
Identifiers: ClinVar variation 4753120 (VCV004753120.1).